The following is an entry in ClinVar:

ClinVar aggregate classification (germline): Benign/Likely benign. Review status: criteria provided, multiple submitters, no conflicts (2 of 4 stars). 3 submissions from 3 submitters: Benign (1); Likely benign (2). Last evaluated 2024-12-27.

Conditions:
Hereditary nonpolyposis colorectal neoplasms. Identifiers: MedGen C0009405, MeSH D003123.
Hereditary cancer-predisposing syndrome. Also called: Tumor predisposition; Hereditary Cancer Syndrome; Hereditary neoplastic syndrome; Neoplastic Syndromes, Hereditary. Identifiers: Orphanet 140162, MedGen C0027672, MeSH D009386, MONDO:0015356.
Lynch syndrome 5 (LYNCH5). Also called: Hereditary non-polyposis colorectal cancer, type 5; Colorectal cancer, hereditary nonpolyposis, type 5. Identifiers: Orphanet 144, MedGen C1833477, MONDO:0013710, OMIM 614350. Disease mechanism: loss of function.

Allele frequency attached by ClinVar (database versions not stated): gnomAD exomes below 0.00001; TOPMed below 0.00001; gnomAD 0.00001.

Submissions (3):

Myriad Genetics, Inc.
Classification: Benign for Lynch syndrome 5. Last evaluated: 2024-12-27. Review status: criteria provided, single submitter. Criteria: Myriad Autosomal Dominant, Autosomal Recessive and X-Linked Classification Criteria (2023). Collection method: clinical testing. Allele origin: unknown.
Comment: This variant is considered benign. This variant is a silent/synonymous amino acid change and it is not expected to impact splicing.

Labcorp Genetics (formerly Invitae), Labcorp
Classification: Likely benign for Hereditary nonpolyposis colorectal neoplasms. Last evaluated: 2023-08-22. Review status: criteria provided, single submitter. Criteria: Invitae Variant Classification Sherloc (09022015). Collection method: clinical testing. Allele origin: germline.

Ambry Genetics
Classification: Likely benign for Hereditary cancer-predisposing syndrome. Last evaluated: 2023-07-26. Review status: criteria provided, single submitter. Criteria: Ambry Variant Classification Scheme 2023. Collection method: clinical testing. Allele origin: germline.

NM_000179.3(MSH6):c.1632A>G (p.Glu544=)

Gene: MSH6 (mutS homolog 6; plus strand). Cytogenetic location: 2p16.3.
Variant type: single nucleotide variant.
Coding change: c.1632A>G on transcript NM_000179.3 (MANE Select); coding-DNA position 1632, A replaced by G.
Protein change: p.Glu544=; no amino-acid change (glutamic acid 544 retained).
Molecular consequence: synonymous variant. On other transcripts: non-coding transcript variant (4), intron variant (2).
Genome position (GRCh38, 1-based): chr2:47,799,615, A>G. VCF-style: chr2-47799615-A-G. GRCh37 (hg19) VCF-style: chr2-48026754-A-G.
Other names: c.1242A>G, p.Glu414= (NM_001281492.2); c.726A>G, p.Glu242= (NM_001281493.2, NM_001281494.2, NM_001406811.1 and 6 more transcripts); c.1728A>G, p.Glu576= (NM_001406795.1, NM_001406802.1); c.1632A>G, p.Glu544= (NM_001406796.1, NM_001406798.1, NM_001406800.1 and 3 more transcripts); c.1335A>G, p.Glu445= (NM_001406797.1, NM_001406801.1, NM_001406805.1 and 10 more transcripts); c.1107A>G, p.Glu369= (NM_001406799.1, NM_001406806.1, NM_001406807.1); c.1554A>G, p.Glu518= (NM_001406804.1); c.1638A>G, p.Glu546= (NM_001406813.1); and 3 more.
Identifiers: ClinVar variation 2609995 (VCV002609995.6), dbSNP rs1296237769, ClinGen allele CA426121441.